The following is an entry in ClinVar:

NM_007294.4(BRCA1):c.634A>G (p.Thr212Ala)

Gene: BRCA1 (BRCA1 DNA repair associated; minus strand). Cytogenetic location: 17q21.31.
Variant type: single nucleotide variant.
Coding change: c.634A>G on transcript NM_007294.4 (MANE Select); coding-DNA position 634, A replaced by G.
Protein change: p.Thr212Ala; replaces threonine 212 with alanine.
Molecular consequence: missense variant. On other transcripts: intron variant (115).
Genome position (GRCh38, 1-based): chr17:43,095,882, T>C on the plus strand (A>G on the coding strand, the complement: BRCA1 is on the minus strand). VCF-style: chr17-43095882-T-C. GRCh37 (hg19) VCF-style: chr17-41247899-T-C.
Other names: c.547+3893A>G (NM_001408494.1); c.548-1022A>G (NM_001408444.1, NM_001408438.1, NM_001408430.1 and 34 more transcripts); c.-218-1022A>G (NM_001407966.1, NM_001407967.1); c.403+3893A>G (NM_001408511.1); c.404-1022A>G (NM_001408505.1, NM_001408503.1, NM_001407934.1 and 5 more transcripts); c.407-1022A>G (NM_001408501.1, NM_001408500.1, NM_001407921.1 and 15 more transcripts); c.421A>G, p.Thr141Ala (NM_001407571.1, NM_001407853.1, NM_001407894.1 and 12 more transcripts); c.634A>G, p.Thr212Ala (NM_001407581.1, NM_001407582.1, NM_001407583.1 and 59 more transcripts); and 17 more; short protein forms T84A, T141A, T164A, T167A, T186A, T142A, T165A, T185A.
Identifiers: ClinVar variation 2814785 (VCV002814785.3), dbSNP rs2154514116, ClinGen allele CA10600836.
Genomic context (GRCh38, chr17:43,095,882, plus strand): 5'-TAAGTTGGCAAACTTTGCCATTACCCTTTTTTGCAGAATCCAAACTGATTTCATCCCTGG[T>C]TCCTTGAGGGGTGATTTGTAACAATTCTTGATCTCCCACACTATAGGGAAAAGACAGAGT-3'
Protein context (NP_009225.1, residues 202-222): QELLQITPQG[Thr212Ala]RDEISLDSAK

ClinVar aggregate classification (germline): Uncertain significance (1 of 4 stars; one submission).

Conditions:
Hereditary breast ovarian cancer syndrome. Also called: Hereditary breast and ovarian cancer; Hereditary breast and ovarian cancer syndrome; Breast and ovarian cancer; BRCA1- and BRCA2-Associated Hereditary Breast and Ovarian Cancer; Hereditary breast and ovarian cancer syndrome (HBOC); Hereditary breast and/or ovarian cancer syndrome. Identifiers: Orphanet 145, MedGen C0677776, MeSH D061325, MONDO:0003582. Disease mechanism: loss of function.

Submission:

Labcorp Genetics (formerly Invitae), Labcorp
Classification: Uncertain significance for Hereditary breast ovarian cancer syndrome. Last evaluated: 2022-11-16. Review status: criteria provided, single submitter. Criteria: Invitae Variant Classification Sherloc (09022015). Collection method: clinical testing. Allele origin: germline.
Comment: In summary, the available evidence is currently insufficient to determine the role of this variant in disease. Therefore, it has been classified as a Variant of Uncertain Significance. Advanced modeling of protein sequence and biophysical properties (such as structural, functional, and spatial information, amino acid conservation, physicochemical variation, residue mobility, and thermodynamic stability) performed at Invitae indicates that this missense variant is not expected to disrupt BRCA1 protein function. This variant has not been reported in the literature in individuals affected with BRCA1-related conditions. This variant is not present in population databases (gnomAD no frequency). This sequence change replaces threonine, which is neutral and polar, with alanine, which is neutral and non-polar, at codon 212 of the BRCA1 protein (p.Thr212Ala).